The following is an entry in ClinVar:

NM_004994.3(MMP9):c.2059G>C (p.Glu687Gln)

Genes: MMP9 (matrix metallopeptidase 9; plus strand), SLC12A5-AS1 (SLC12A5 and MMP9 antisense RNA 1; minus strand). Cytogenetic location: 20q13.12.
Variant type: single nucleotide variant.
Coding change: c.2059G>C on transcript NM_004994.3 (MANE Select); coding-DNA position 2059, G replaced by C.
Protein change: p.Glu687Gln; replaces glutamic acid 687 with glutamine.
Molecular consequence: missense variant.
Genome position (GRCh38, 1-based): chr20:46,016,303, G>C. VCF-style: chr20-46016303-G-C. GRCh37 (hg19) VCF-style: chr20-44644942-G-C.
Other names: short protein forms E687Q.
Identifiers: ClinVar variation 3912188 (VCV003912188.2).
Genomic context (GRCh38, chr20:46,016,303, plus strand): 5'-CCTGCAGAGAAAGCCTATTTCTGCCAGGACCGCTTCTACTGGCGCGTGAGTTCCCGGAGT[G>C]AGTTGAACCAGGTGGACCAAGTGGGCTACGTGACCTATGACATCCTGCAGTGCCCTGAGG-3'
Protein context (NP_004985.2, residues 677-697): RFYWRVSSRS[Glu687Gln]LNQVDQVGYV

ClinVar aggregate classification (germline): Uncertain significance. Review status: criteria provided, multiple submitters, no conflicts (2 of 4 stars). 2 submissions from 2 submitters: Uncertain significance (2). Last evaluated 2025-10-21.

gnomAD v4.1: 56 of 1,614,108 alleles (0.0035%); highest among the groups gnomAD compares: Non-Finnish European, 0.0043%; no homozygotes.

Submissions (2):

Labcorp Genetics (formerly Invitae), Labcorp
Classification: Uncertain significance. Last evaluated: 2025-10-21. Review status: criteria provided, single submitter. Criteria: Invitae Variant Classification Sherloc (09022015). Collection method: clinical testing. Allele origin: germline.
Comment: This sequence change replaces glutamic acid, which is acidic and polar, with glutamine, which is neutral and polar, at codon 687 of the MMP9 protein (p.Glu687Gln). This variant is present in population databases (rs374780254, gnomAD 0.004%). This variant has not been reported in the literature in individuals affected with MMP9-related conditions. ClinVar contains an entry for this variant (Variation ID: 3912188). An algorithm developed to predict the effect of missense changes on protein structure and function outputs the following: PolyPhen-2: "Benign". The glutamine amino acid residue is found in multiple mammalian species, which suggests that this missense change does not adversely affect protein function. In summary, the available evidence is currently insufficient to determine the role of this variant in disease. Therefore, it has been classified as a Variant of Uncertain Significance.

Ambry Genetics
Classification: Uncertain significance. Last evaluated: 2025-04-20. Review status: criteria provided, single submitter. Criteria: Ambry Variant Classification Scheme 2023. Collection method: clinical testing. Allele origin: germline.